The following is an entry in ClinVar:

NM_001267550.2(TTN):c.3963+9T>C

Genes: TTN (titin; minus strand), LOC101927055 (uncharacterized LOC101927055; plus strand). Cytogenetic location: 2q31.2.
Variant type: single nucleotide variant.
Coding change: c.3963+9T>C on transcript NM_001267550.2 (MANE Select); 9 bases into the intron after coding-DNA position 3963, T replaced by C.
Molecular consequence: intron variant.
Genome position (GRCh38, 1-based): chr2:178,779,220, A>G on the plus strand (T>C on the coding strand, the complement: TTN is on the minus strand). VCF-style: chr2-178779220-A-G. GRCh37 (hg19) VCF-style: chr2-179643947-A-G.
Other names: c.3825+9T>C (NM_003319.4, NM_133437.4, NM_133432.3); c.3963+9T>C (NM_133378.4, NM_001256850.1, NM_133379.5).
Identifiers: ClinVar variation 512709 (VCV000512709.9), dbSNP rs1554012412, ClinGen allele CA658796097.

ClinVar aggregate classification (germline): Likely benign. Review status: criteria provided, multiple submitters, no conflicts (2 of 4 stars). 2 submissions from 2 submitters: Likely benign (2). Last evaluated 2021-09-29.

Conditions:
Autosomal recessive limb-girdle muscular dystrophy type 2J (LGMDR10). Also called: MUSCULAR DYSTROPHY, LIMB-GIRDLE, AUTOSOMAL RECESSIVE 10; Limb-girdle muscular dystrophy, type 2J. Identifiers: Orphanet 140922, MedGen C1837342, MONDO:0012127, OMIM 608807.
Dilated cardiomyopathy 1G (CMD1G). Identifiers: Orphanet 154, MedGen C1858763, MONDO:0011400, OMIM 604145.

Allele frequency attached by ClinVar (database versions not stated): gnomAD exomes below 0.00001.

Submissions (2):

Labcorp Genetics (formerly Invitae), Labcorp
Classification: Likely benign for Dilated cardiomyopathy 1G; Autosomal recessive limb-girdle muscular dystrophy type 2J. Last evaluated: 2021-09-29. Review status: criteria provided, single submitter. Criteria: Invitae Variant Classification Sherloc (09022015). Collection method: clinical testing. Allele origin: germline.

GeneDx
Classification: Likely benign. Last evaluated: 2017-10-12. Review status: criteria provided, single submitter. Criteria: GeneDx Variant Classification (06012015). Collection method: clinical testing. Allele origin: germline. Affected: yes.
Comment: This variant is considered likely benign or benign based on one or more of the following criteria: it is a conservative change, it occurs at a poorly conserved position in the protein, it is predicted to be benign by multiple in silico algorithms, and/or has population frequency not consistent with disease.